The following is an entry in ClinVar:

ClinVar aggregate classification (germline): Uncertain significance. Review status: criteria provided, multiple submitters, no conflicts (2 of 4 stars). 2 submissions from 2 submitters: Uncertain significance (2). Last evaluated 2024-02-24.

Conditions:
Inborn genetic diseases. Identifiers: MedGen C0950123, MeSH D030342.

Allele frequency attached by ClinVar (database versions not stated): ExAC 0.00001; gnomAD 0.00001; TOPMed 0.00002.
gnomAD v4.1: 21 of 1,611,542 alleles (0.0013%); highest among the groups gnomAD compares: Non-Finnish European, 0.0018%; no homozygotes.

Submissions (2):

Labcorp Genetics (formerly Invitae), Labcorp
Classification: Uncertain significance. Last evaluated: 2024-02-24. Review status: criteria provided, single submitter. Criteria: Invitae Variant Classification Sherloc (09022015). Collection method: clinical testing. Allele origin: germline.
Comment: This sequence change replaces tyrosine, which is neutral and polar, with cysteine, which is neutral and slightly polar, at codon 306 of the PEPD protein (p.Tyr306Cys). This variant is present in population databases (rs755808511, gnomAD 0.002%). This variant has not been reported in the literature in individuals affected with PEPD-related conditions. ClinVar contains an entry for this variant (Variation ID: 2196641). Advanced modeling of protein sequence and biophysical properties (such as structural, functional, and spatial information, amino acid conservation, physicochemical variation, residue mobility, and thermodynamic stability) performed at Invitae indicates that this missense variant is expected to disrupt PEPD protein function with a positive predictive value of 80%. In summary, the available evidence is currently insufficient to determine the role of this variant in disease. Therefore, it has been classified as a Variant of Uncertain Significance.

Ambry Genetics
Classification: Uncertain significance for Inborn genetic diseases. Last evaluated: 2023-12-27. Review status: criteria provided, single submitter. Criteria: Ambry Variant Classification Scheme 2023. Collection method: clinical testing. Allele origin: germline.

NM_000285.4(PEPD):c.917A>G (p.Tyr306Cys)

Gene: PEPD (peptidase D; minus strand). Cytogenetic location: 19q13.11.
Variant type: single nucleotide variant.
Coding change: c.917A>G on transcript NM_000285.4 (MANE Select); coding-DNA position 917, A replaced by G.
Protein change: p.Tyr306Cys; replaces tyrosine 306 with cysteine.
Molecular consequence: missense variant.
Genome position (GRCh38, 1-based): chr19:33,401,771, T>C on the plus strand (A>G on the coding strand, the complement: PEPD is on the minus strand). VCF-style: chr19-33401771-T-C. GRCh37 (hg19) VCF-style: chr19-33892677-T-C.
Other names: c.794A>G, p.Tyr265Cys (NM_001166056.2); c.725A>G, p.Tyr242Cys (NM_001166057.2); short protein forms Y265C, Y242C, Y306C.
Identifiers: ClinVar variation 2196641 (VCV002196641.3), dbSNP rs755808511, ClinGen allele CA9364078.
Genomic context (GRCh38, chr19:33,401,771, plus strand): 5'-CGCTGCTCACCTGGCTTCATGGCACCCATGACGGCACGGGAGCTCCGCAGCACTGCCTCA[T>C]AGACGGCCTTCTGGTCTGCAGTGAACTTGCCGTTGGCGGGAAAGGAGCAGGTGATGTCGG-3'
Protein context (NP_000276.2, residues 296-316): GKFTADQKAV[Tyr306Cys]EAVLRSSRAV